The following is an entry in ClinVar:

ClinVar aggregate classification (germline): Uncertain significance. Review status: criteria provided, multiple submitters, no conflicts (2 of 4 stars). 2 submissions from 2 submitters: Uncertain significance (2). Last evaluated 2021-08-27.

Conditions:
Nemaline myopathy 2 (NEM2). Also called: Nemaline myopathy 2, autosomal recessive. Identifiers: MedGen C1850569, MONDO:0009725, OMIM 256030.

Allele frequency attached by ClinVar (database versions not stated): gnomAD exomes below 0.00001.
gnomAD v4.1: 2 of 1,609,032 alleles (0.00012%); highest among the groups gnomAD compares: Non-Finnish European, 0.00017%; no homozygotes.

Submissions (2):

Labcorp Genetics (formerly Invitae), Labcorp
Classification: Uncertain significance for Nemaline myopathy 2. Last evaluated: 2021-08-27. Review status: criteria provided, single submitter. Criteria: Invitae Variant Classification Sherloc (09022015). Collection method: clinical testing. Allele origin: germline.
Comment: This sequence change replaces tyrosine with cysteine at codon 6355 of the NEB protein (p.Tyr6355Cys). The tyrosine residue is moderately conserved and there is a large physicochemical difference between tyrosine and cysteine. This variant is not present in population databases (ExAC no frequency). This variant has not been reported in the literature in individuals affected with NEB-related conditions. Algorithms developed to predict the effect of missense changes on protein structure and function are either unavailable or do not agree on the potential impact of this missense change (SIFT: "Deleterious"; PolyPhen-2: "Not Available"; Align-GVGD: "Class C0"). In summary, the available evidence is currently insufficient to determine the role of this variant in disease. Therefore, it has been classified as a Variant of Uncertain Significance.

GeneDx
Classification: Uncertain significance. Last evaluated: 2021-03-23. Review status: criteria provided, single submitter. Criteria: GeneDx Variant Classification Process June 2021. Collection method: clinical testing. Allele origin: germline. Affected: yes.
Comment: Not observed in large population cohorts (Lek et al., 2016); In silico analysis supports that this missense variant has a deleterious effect on protein structure/function; Has not been previously published as pathogenic or benign to our knowledge

NM_001164508.2(NEB):c.19064A>G (p.Tyr6355Cys)

Gene: NEB (nebulin; minus strand). Cytogenetic location: 2q23.3.
Variant type: single nucleotide variant.
Coding change: c.19064A>G on transcript NM_001164508.2 (MANE Select); coding-DNA position 19064, A replaced by G.
Protein change: p.Tyr6355Cys; replaces tyrosine 6355 with cysteine.
Molecular consequence: missense variant.
Genome position (GRCh38, 1-based): chr2:151,561,245, T>C on the plus strand (A>G on the coding strand, the complement: NEB is on the minus strand). VCF-style: chr2-151561245-T-C. GRCh37 (hg19) VCF-style: chr2-152417759-T-C.
Other names: c.19064A>G, p.Tyr6355Cys (NM_001164507.2, NM_001271208.2); c.13961A>G, p.Tyr4654Cys (NM_004543.5); short protein forms Y4654C, Y6355C.
Identifiers: ClinVar variation 1314212 (VCV001314212.3), dbSNP rs968608271, ClinGen allele CA348795422.